The following is an entry in ClinVar:

ClinVar aggregate classification (germline): Benign/Likely benign. Review status: criteria provided, multiple submitters, no conflicts (2 of 4 stars). 2 submissions from 2 submitters: Benign (1); Likely benign (1). Last evaluated 2026-04-24.

Conditions:
Colorectal cancer, susceptibility to, 1. Also called: COLORECTAL ADENOMA AND CANCER, SUSCEPTIBILITY TO; COLORECTAL CANCER, SUSCEPTIBILITY TO, ON CHROMOSOME 9. Identifiers: MedGen C1837315, MONDO:0012132, OMIM 608812.

Allele frequency attached by ClinVar (database versions not stated): gnomAD exomes below 0.00001; ExAC 0.00001.
gnomAD v4.1: 1 of 1,607,756 alleles (0.000062%); highest among the groups gnomAD compares: Non-Finnish European, 0.000085%; no homozygotes.

Submissions (2):

Myriad Genetics, Inc.
Classification: Benign for Colorectal cancer, susceptibility to, 1. Last evaluated: 2026-04-24. Review status: criteria provided, single submitter. Criteria: Myriad Autosomal Dominant, Autosomal Recessive and X-Linked Classification Criteria (2023). Collection method: clinical testing. Allele origin: unknown.
Comment: This variant is considered benign. This variant is a silent/synonymous amino acid change and it is not expected to impact splicing.

Ambry Genetics
Classification: Likely benign. Last evaluated: 2023-05-06. Review status: criteria provided, single submitter. Criteria: Ambry Variant Classification Scheme 2023. Collection method: clinical testing. Allele origin: germline.

NM_024642.5(GALNT12):c.1014A>G (p.Glu338=)

Gene: GALNT12 (polypeptide N-acetylgalactosaminyltransferase 12; plus strand). Cytogenetic location: 9q22.33.
Variant type: single nucleotide variant.
Coding change: c.1014A>G on transcript NM_024642.5 (MANE Select); coding-DNA position 1014, A replaced by G.
Protein change: p.Glu338=; no amino-acid change (glutamic acid 338 retained).
Molecular consequence: synonymous variant.
Genome position (GRCh38, 1-based): chr9:98,835,345, A>G. VCF-style: chr9-98835345-A-G. GRCh37 (hg19) VCF-style: chr9-101597627-A-G.
Identifiers: ClinVar variation 2566265 (VCV002566265.3), dbSNP rs752958820, ClinGen allele CA5154134.